The following is an entry in ClinVar:

ClinVar aggregate classification (germline): Likely benign. Review status: criteria provided, multiple submitters, no conflicts (2 of 4 stars). 4 submissions from 4 submitters: Likely benign (3). 1 of the submissions does not count toward it. Last evaluated 2024-04-10.

Conditions:
Bardet-Biedl syndrome (BBS). Identifiers: Orphanet 110, MedGen C0752166, MONDO:0015229.
WDPCP-related disorder. Also called: WDPCP-related condition.

Allele frequency attached by ClinVar (database versions not stated): gnomAD 0.00001 and 0.00003; gnomAD exomes 0.00002; ExAC 0.00003; TOPMed 0.00003.
gnomAD v4.1: 33 of 1,613,334 alleles (0.002%); highest among the groups gnomAD compares: Admixed American, 0.0067%; no homozygotes.

Submissions (4):

Labcorp Genetics (formerly Invitae), Labcorp
Classification: Likely benign for Bardet-Biedl syndrome. Last evaluated: 2024-04-10. Review status: criteria provided, single submitter. Criteria: Invitae Variant Classification Sherloc (09022015). Collection method: clinical testing. Allele origin: germline.

CeGaT Center for Human Genetics Tuebingen
Classification: Likely benign. Last evaluated: 2023-10-01. Review status: criteria provided, single submitter. Criteria: CeGaT Center For Human Genetics Tuebingen Variant Classification Criteria Version 2. Collection method: clinical testing. Allele origin: germline. Affected: yes. Observed: 1 variant allele.
Comment: WDPCP: BP4, BP7

Blueprint Genetics
Classification: Likely benign. Last evaluated: 2020-05-29. Review status: criteria provided, single submitter. Criteria: ACMG Guidelines, 2015. Collection method: clinical testing. Allele origin: germline.

PreventionGenetics, part of Exact Sciences
Classification: Likely benign for WDPCP-related condition. Last evaluated: 2023-04-12. Review status: no assertion criteria provided. Collection method: clinical testing. Allele origin: germline. Not counted in ClinVar's aggregate classification.
Comment: This variant is classified as likely benign based on ACMG/AMP sequence variant interpretation guidelines (Richards et al. 2015 PMID: 25741868, with internal and published modifications).

NM_015910.7(WDPCP):c.1587C>T (p.Asn529=)

Gene: WDPCP (WD repeat containing planar cell polarity effector; minus strand). Cytogenetic location: 2p15.
Variant type: single nucleotide variant.
Coding change: c.1587C>T on transcript NM_015910.7 (MANE Select); coding-DNA position 1587, C replaced by T.
Protein change: p.Asn529=; no amino-acid change (asparagine 529 retained).
Molecular consequence: synonymous variant. On other transcripts: non-coding transcript variant (3).
Genome position (GRCh38, 1-based): chr2:63,381,943, G>A on the plus strand (C>T on the coding strand, the complement: WDPCP is on the minus strand). VCF-style: chr2-63381943-G-A. GRCh37 (hg19) VCF-style: chr2-63609078-G-A.
Other names: c.1110C>T, p.Asn370= (NM_001042692.3); c.1515C>T, p.Asn505= (NM_001354044.2); c.1587C>T, p.Asn529= (NM_001354045.2); c.1587C>T (NM_015910.5).
Identifiers: ClinVar variation 1128761 (VCV001128761.34), dbSNP rs763698807, ClinGen allele CA1682186.